The following is an entry in ClinVar:

NM_001465.6(FYB1):c.256A>G (p.Thr86Ala)

Gene: FYB1 (FYN binding protein 1; minus strand). Cytogenetic location: 5p13.1.
Variant type: single nucleotide variant.
Coding change: c.256A>G on transcript NM_001465.6 (MANE Select); coding-DNA position 256, A replaced by G.
Protein change: p.Thr86Ala; replaces threonine 86 with alanine.
Molecular consequence: missense variant.
Genome position (GRCh38, 1-based): chr5:39,202,705, T>C on the plus strand (A>G on the coding strand, the complement: FYB1 is on the minus strand). VCF-style: chr5-39202705-T-C. GRCh37 (hg19) VCF-style: chr5-39202807-T-C.
Other names: c.286A>G, p.Thr96Ala (NM_001243093.2, NM_018594.2); c.256A>G, p.Thr86Ala (NM_001349333.2, NM_199335.5); short protein forms T86A, T96A.
Identifiers: ClinVar variation 3097602 (VCV003097602.2), dbSNP rs779537001, ClinGen allele CA3246533.

ClinVar aggregate classification (germline): Uncertain significance. Review status: criteria provided, multiple submitters, no conflicts (2 of 4 stars). 2 submissions from 2 submitters: Uncertain significance (2). Last evaluated 2023-12-12.

Allele frequency attached by ClinVar (database versions not stated): TOPMed below 0.00001; gnomAD 0.00003; gnomAD exomes 0.00004; ExAC 0.00011.
gnomAD v4.1: 71 of 1,613,724 alleles (0.0044%); highest among the groups gnomAD compares: South Asian, 0.061%; no homozygotes.

Submissions (2):

Ambry Genetics
Classification: Uncertain significance. Last evaluated: 2023-12-12. Review status: criteria provided, single submitter. Criteria: Ambry Variant Classification Scheme 2023. Collection method: clinical testing. Allele origin: germline.

GeneDx
Classification: Uncertain significance. Last evaluated: 2023-11-06. Review status: criteria provided, single submitter. Criteria: GeneDx Variant Classification Process June 2021. Collection method: clinical testing. Allele origin: germline. Affected: yes.
Comment: In silico analysis supports that this missense variant has a deleterious effect on protein structure/function; Has not been previously published as pathogenic or benign to our knowledge